The following is an entry in ClinVar:

NM_002718.5(PPP2R3A):c.745A>G (p.Ile249Val)

Gene: PPP2R3A (protein phosphatase 2 regulatory subunit B''alpha; plus strand). Cytogenetic location: 3q22.3.
Variant type: single nucleotide variant.
Coding change: c.745A>G on transcript NM_002718.5 (MANE Select); coding-DNA position 745, A replaced by G.
Protein change: p.Ile249Val; replaces isoleucine 249 with valine.
Molecular consequence: missense variant. On other transcripts: intron variant (1).
Genome position (GRCh38, 1-based): chr3:136,002,243, A>G. VCF-style: chr3-136002243-A-G. GRCh37 (hg19) VCF-style: chr3-135721085-A-G.
Other names: c.-213-24589A>G (NM_001190447.2); short protein forms I249V.
Identifiers: ClinVar variation 3044322 (VCV003044322.6), dbSNP rs115951794, ClinGen allele CA2630451.

ClinVar aggregate classification (germline): Likely benign. Review status: criteria provided, single submitter (1 of 4 stars). 2 submissions from 2 submitters: Likely benign (1). 1 of the submissions does not count toward it. Last evaluated 2026-06-01.

Conditions:
PPP2R3A-related disorder. Also called: PPP2R3A-related condition.

Allele frequency attached by ClinVar (database versions not stated): 1000 Genomes Project 0.00140; 1000 Genomes Project 30x 0.00141; TOPMed 0.00493; ExAC 0.00517; gnomAD 0.00548; ESP Exome Variant Server 0.00792.
gnomAD v4.1: 12,881 of 1,613,918 alleles (0.8%); highest among the groups gnomAD compares: Non-Finnish European, 0.99%; 64 homozygotes.

Submissions (2):

CeGaT Center for Human Genetics Tuebingen
Classification: Likely benign. Last evaluated: 2026-06-01. Review status: criteria provided, single submitter. Criteria: CeGaT Center For Human Genetics Tuebingen Variant Classification Criteria Version 2. Collection method: clinical testing. Allele origin: germline. Affected: yes. Observed: 2 variant alleles.
Comment: PPP2R3A: BS2

PreventionGenetics, part of Exact Sciences
Classification: Likely benign for PPP2R3A-related condition. Last evaluated: 2019-02-28. Review status: no assertion criteria provided. Collection method: clinical testing. Allele origin: germline. Not counted in ClinVar's aggregate classification.
Comment: This variant is classified as likely benign based on ACMG/AMP sequence variant interpretation guidelines (Richards et al. 2015 PMID: 25741868, with internal and published modifications).